The following is an entry in ClinVar:

ClinVar aggregate classification (germline): Uncertain significance. Review status: criteria provided, multiple submitters, no conflicts (2 of 4 stars). 2 submissions from 2 submitters: Uncertain significance (2). Last evaluated 2026-04-01.

Conditions:
Frontotemporal dementia and/or amyotrophic lateral sclerosis 1 (FTDALS1). Also called: Frontotemporal dementia with motor neuron disease 1; C9orf72 Frontotemporal Dementia and/or Amyotrophic Lateral Sclerosis. Identifiers: Orphanet 275872, MedGen C5779877, MONDO:0007105, OMIM 105550.
Paget disease of bone 2, early-onset (PDB2). Also called: Paget disease of bone 2. Identifiers: MedGen C4085251, MONDO:0011183, OMIM 602080.

Allele frequency attached by ClinVar (database versions not stated): gnomAD exomes below 0.00001; ExAC 0.00001.

Submissions (2):

CeGaT Center for Human Genetics Tuebingen
Classification: Uncertain significance. Last evaluated: 2026-04-01. Review status: criteria provided, single submitter. Criteria: CeGaT Center For Human Genetics Tuebingen Variant Classification Criteria Version 2. Collection method: clinical testing. Allele origin: germline. Affected: yes. Observed: 1 variant allele.
Comment: SQSTM1: PM2, PP3, PS3:Supporting, PS4:Supporting

Labcorp Genetics (formerly Invitae), Labcorp
Classification: Uncertain significance for Paget disease of bone 2, early-onset; Frontotemporal dementia and/or amyotrophic lateral sclerosis 1. Last evaluated: 2024-12-04. Review status: criteria provided, single submitter. Criteria: Invitae Variant Classification Sherloc (09022015). Collection method: clinical testing. Allele origin: germline.
Comment: This sequence change replaces serine, which is neutral and polar, with threonine, which is neutral and polar, at codon 349 of the SQSTM1 protein (p.Ser349Thr). This variant is present in population databases (rs774512680, gnomAD 0.0009%). This missense change has been observed in individual(s) with clinical features of autosomal dominant Paget disease of bone (PMID: 21073987). ClinVar contains an entry for this variant (Variation ID: 1019337). Invitae Evidence Modeling of protein sequence and biophysical properties (such as structural, functional, and spatial information, amino acid conservation, physicochemical variation, residue mobility, and thermodynamic stability) indicates that this missense variant is not expected to disrupt SQSTM1 protein function with a negative predictive value of 80%. Experimental studies have shown that this missense change affects SQSTM1 function (PMID: 23117207). In summary, the available evidence is currently insufficient to determine the role of this variant in disease. Therefore, it has been classified as a Variant of Uncertain Significance.

Literature cited by the submitters: PubMed 21073987 (cited by Labcorp Genetics (formerly Invitae), Labcorp); PubMed 23117207 (cited by Labcorp Genetics (formerly Invitae), Labcorp).

NM_003900.5(SQSTM1):c.1045T>A (p.Ser349Thr)

Gene: SQSTM1 (sequestosome 1; plus strand). Cytogenetic location: 5q35.3.
Variant type: single nucleotide variant.
Coding change: c.1045T>A on transcript NM_003900.5 (MANE Select); coding-DNA position 1045, T replaced by A.
Protein change: p.Ser349Thr; replaces serine 349 with threonine.
Molecular consequence: missense variant.
Genome position (GRCh38, 1-based): chr5:179,833,662, T>A. VCF-style: chr5-179833662-T-A. GRCh37 (hg19) VCF-style: chr5-179260662-T-A.
Other names: c.793T>A, p.Ser265Thr (NM_001142298.2, NM_001142299.2); short protein forms S265T, S349T.
Identifiers: ClinVar variation 1019337 (VCV001019337.10), dbSNP rs774512680, ClinGen allele CA3600787.